The following is an entry in ClinVar:

ClinVar aggregate classification (germline): Uncertain significance. Review status: criteria provided, multiple submitters, no conflicts (2 of 4 stars). 2 submissions from 2 submitters: Uncertain significance (2). Last evaluated 2025-09-10.

Conditions:
Juvenile onset Parkinson disease 19A. Also called: PARK19; DNAJC6 Parkinson Disease. Identifiers: Orphanet 391411, MedGen C3809811, MONDO:0014231, OMIM 615528.

gnomAD v4.1: 78 of 1,614,156 alleles (0.0048%); highest among the groups gnomAD compares: Non-Finnish European, 0.0042%; no homozygotes.

Submissions (2):

Labcorp Genetics (formerly Invitae), Labcorp
Classification: Uncertain significance for Juvenile onset Parkinson disease 19A. Last evaluated: 2025-09-10. Review status: criteria provided, single submitter. Criteria: Invitae Variant Classification Sherloc (09022015). Collection method: clinical testing. Allele origin: germline.
Comment: This sequence change replaces valine, which is neutral and non-polar, with methionine, which is neutral and non-polar, at codon 353 of the DNAJC6 protein (p.Val353Met). This variant is present in population databases (rs144323705, gnomAD 0.02%). This missense change has been observed in individual(s) with Parkinson disease (PMID: 32707456). An algorithm developed to predict the effect of missense changes on protein structure and function (PolyPhen-2) suggests that this variant is likely to be disruptive. In summary, the available evidence is currently insufficient to determine the role of this variant in disease. Therefore, it has been classified as a Variant of Uncertain Significance.

Blueprint Genetics
Classification: Uncertain significance. Last evaluated: 2024-09-12. Review status: criteria provided, single submitter. Criteria: ACMG Guidelines, 2015. Collection method: clinical testing. Allele origin: germline.

Literature cited by the submitters: PubMed 32707456 (cited by Labcorp Genetics (formerly Invitae), Labcorp).

NM_001256864.2(DNAJC6):c.1057G>A (p.Val353Met)

Gene: DNAJC6 (DnaJ heat shock protein family (Hsp40) member C6; plus strand). Cytogenetic location: 1p31.3.
Variant type: single nucleotide variant.
Coding change: c.1057G>A on transcript NM_001256864.2 (MANE Select); coding-DNA position 1057, G replaced by A.
Protein change: p.Val353Met; replaces valine 353 with methionine.
Molecular consequence: missense variant.
Genome position (GRCh38, 1-based): chr1:65,386,873, G>A. VCF-style: chr1-65386873-G-A. GRCh37 (hg19) VCF-style: chr1-65852556-G-A.
Other names: c.847G>A, p.Val283Met (NM_001256865.2); c.886G>A, p.Val296Met (NM_014787.4); short protein forms V283M, V353M, V296M.
Identifiers: ClinVar variation 4741390 (VCV004741390.2).
Genomic context (GRCh38, chr1:65,386,873, plus strand): 5'-GAATATCGTGTCCAAGATGGAAAAATCTTCATTCCCTTGAACATCACTGTGCAAGGAGAC[G>A]TGGTTGTTTCCATGTATCACTTGAGGTCAACCATTGGGAGCCGGCTACAGGCTAAGGTAT-3'
Protein context (NP_001243793.1, residues 343-363): IPLNITVQGD[Val353Met]VVSMYHLRST